The following is an entry in ClinVar:

ClinVar aggregate classification (germline): Likely benign. Review status: criteria provided, multiple submitters, no conflicts (2 of 4 stars). 2 submissions from 2 submitters: Likely benign (2). Last evaluated 2026-01-04.

Conditions:
Hypertrophic cardiomyopathy. Also called: HYPERTROPHIC MYOCARDIOPATHY. Identifiers: Orphanet 217569, MedGen C0007194, MeSH D002312, MONDO:0005045, HP:0001639.

Allele frequency attached by ClinVar (database versions not stated): gnomAD exomes 0.00013 and 0.00014; gnomAD 0.00014 and 0.00016; 1000 Genomes Project 30x 0.00016; ExAC 0.00018; 1000 Genomes Project 0.00020; TOPMed 0.00020.
gnomAD v4.1: 223 of 1,613,430 alleles (0.014%); highest among the groups gnomAD compares: Middle Eastern, 0.068%; 1 homozygote.

Submissions (2):

Labcorp Genetics (formerly Invitae), Labcorp
Classification: Likely benign for Hypertrophic cardiomyopathy. Last evaluated: 2026-01-04. Review status: criteria provided, single submitter. Criteria: Invitae Variant Classification Sherloc (09022015). Collection method: clinical testing. Allele origin: germline.

Laboratory for Molecular Medicine, Mass General Brigham Personalized Medicine
Classification: Likely benign. Last evaluated: 2015-11-19. Review status: criteria provided, single submitter. Criteria: LMM Criteria. Collection method: clinical testing. Allele origin: germline. Observed: 1 variant allele.
Comment: c.4648+7A>G in intron 34 of MYOM1: This variant is not expected to have clinical significance because it is not located within the splice consensus sequence. I t has been identified in 7/10040 Latino chromosomes by the Exome Aggregation Con sortium (ExAC; dbSNP rs555598943).

NM_003803.4(MYOM1):c.4648+7A>G

Gene: MYOM1 (myomesin 1; minus strand). Cytogenetic location: 18p11.31.
Variant type: single nucleotide variant.
Coding change: c.4648+7A>G on transcript NM_003803.4 (MANE Select); 7 bases into the intron after coding-DNA position 4648, A replaced by G.
Molecular consequence: intron variant.
Genome position (GRCh38, 1-based): chr18:3,079,172, T>C on the plus strand (A>G on the coding strand, the complement: MYOM1 is on the minus strand). VCF-style: chr18-3079172-T-C. GRCh37 (hg19) VCF-style: chr18-3079170-T-C.
Other names: c.4360+7A>G (NM_019856.2).
Identifiers: ClinVar variation 227702 (VCV000227702.16), dbSNP rs555598943, ClinGen allele CA8873890.